The following is an entry in ClinVar:

NM_000214.3(JAG1):c.936T>A (p.Cys312Ter)

Gene: JAG1 (jagged canonical Notch ligand 1; minus strand). Cytogenetic location: 20p12.2.
Variant type: single nucleotide variant.
Coding change: c.936T>A on transcript NM_000214.3 (MANE Select); coding-DNA position 936, T replaced by A.
Protein change: p.Cys312Ter; replaces cysteine 312 with a stop codon.
Molecular consequence: nonsense.
Genome position (GRCh38, 1-based): chr20:10,652,201, A>T on the plus strand (T>A on the coding strand, the complement: JAG1 is on the minus strand). VCF-style: chr20-10652201-A-T. GRCh37 (hg19) VCF-style: chr20-10632849-A-T.
Other names: short protein forms C312*.
Identifiers: ClinVar variation 1358138 (VCV001358138.6), dbSNP rs2122614453, ClinGen allele CA408239066.
Genomic context (GRCh38, chr20:10,652,201, plus strand): 5'-GTTGGGTCCTGAATACCCCTCAGGGCAGGAACACTGATATTTGTCAGGGCCTGTGTTGCT[A>T]CAAGTTCCCCCGTTGAGACACGGCTGATGAGTCCCACAGTAATTGAGATCTGCCAAAAAG-3'

ClinVar aggregate classification (germline): Pathogenic (1 of 4 stars; one submission).

Conditions:
Alagille syndrome due to a JAG1 point mutation. Also called: JAG1-Related Alagille Syndrome; Alagille Syndrome 1; HEPATIC DUCTULAR HYPOPLASIA, SYNDROMATIC. Identifiers: Orphanet 261619, Orphanet 52, MedGen C1956125, MONDO:0016862, OMIM 118450.

Submission:

Labcorp Genetics (formerly Invitae), Labcorp
Classification: Pathogenic for Alagille syndrome due to a JAG1 point mutation. Last evaluated: 2021-11-22. Review status: criteria provided, single submitter. Criteria: Invitae Variant Classification Sherloc (09022015). Collection method: clinical testing. Allele origin: germline.
Comment: For these reasons, this variant has been classified as Pathogenic. This premature translational stop signal has been observed in individual(s) with multiple congenital anomalies (PMID: 26633542). This variant is not present in population databases (gnomAD no frequency). This sequence change creates a premature translational stop signal (p.Cys312*) in the JAG1 gene. It is expected to result in an absent or disrupted protein product. Loss-of-function variants in JAG1 are known to be pathogenic (PMID: 11180599).

Literature cited by the submitters: PubMed 26633542; PubMed 11180599.